The following is an entry in ClinVar:

ClinVar aggregate classification (germline): Likely benign. Review status: criteria provided, single submitter (1 of 4 stars). 2 submissions from 2 submitters: Likely benign (1). 1 of the submissions does not count toward it. Last evaluated 2022-10-07.

Conditions:
Kabuki syndrome. Also called: NIIKAWA-KUROKI SYNDROME; Kabuki make-up syndrome. Identifiers: Orphanet 2322, MedGen C0796004, MONDO:0016512.
KMT2D-related disorder. Also called: KMT2D-Related Disorders.

Allele frequency attached by ClinVar (database versions not stated): gnomAD exomes below 0.00001; gnomAD 0.00001.

Submissions (2):

Labcorp Genetics (formerly Invitae), Labcorp
Classification: Likely benign for Kabuki syndrome. Last evaluated: 2022-10-07. Review status: criteria provided, single submitter. Criteria: Invitae Variant Classification Sherloc (09022015). Collection method: clinical testing. Allele origin: germline.

PreventionGenetics, part of Exact Sciences
Classification: Uncertain significance for KMT2D-related condition. Last evaluated: 2024-09-10. Review status: no assertion criteria provided. Collection method: clinical testing. Allele origin: germline. Not counted in ClinVar's aggregate classification.
Comment: The KMT2D c.11844_11852del9 variant is predicted to result in an in-frame deletion (p.Gln3952_Gln3954del). This is an in-frame deletion of 3 Glutamine residues in a Gln-rich region. To our knowledge, this variant has not been reported in the literature. This variant is reported in 0.0058% of alleles in individuals of African descent in gnomAD. Although we suspect that this variant may be benign, the clinical significance of this variant is classified as uncertain at this time due to insufficient functional and genetic evidence.

NM_003482.4(KMT2D):c.11844_11852del (p.Gln3952_Gln3954del)

Gene: KMT2D (lysine methyltransferase 2D; minus strand). Cytogenetic location: 12q13.12.
Variant type: Deletion.
Coding change: c.11844_11852del on transcript NM_003482.4 (MANE Select); coding-DNA positions 11844 to 11852, 9 bases deleted (TCAACAGCA; older notation c.11844_11852delTCAACAGCA).
Protein change: p.Gln3952_Gln3954del.
Molecular consequence: inframe deletion.
Genome position (GRCh38, 1-based): chr12:49,032,853-49,032,861, TGCTGTTGA deleted on the plus strand (TCAACAGCA on the coding strand, the reverse complement: KMT2D is on the minus strand). VCF-style (leftmost placement, unchanged base first): chr12-49032852-CTGCTGTTGA-C. GRCh37 (hg19) VCF-style: chr12-49426635-CTGCTGTTGA-C.
Other names: c.11844_11852del9 (NM_003482.3).
Identifiers: ClinVar variation 2153569 (VCV002153569.5), dbSNP rs1246846663, ClinGen allele CA605233608.